The following is an entry in ClinVar:

NM_017875.4(SLC25A38):c.832del (p.Arg278fs)

Gene: SLC25A38 (solute carrier family 25 member 38; plus strand). Cytogenetic location: 3p22.1.
Variant type: Deletion.
Coding change: c.832del on transcript NM_017875.4 (MANE Select); coding-DNA position 832, one base deleted (C; older notation c.832delC).
Protein change: p.Arg278fs; shifts the reading frame from arginine 278.
Molecular consequence: frameshift variant.
Genome position (GRCh38, 1-based): chr3:39,396,437, C deleted; the last of 5 consecutive C bases (chr3:39,396,433-39,396,437); deleting any one gives the same sequence. VCF-style (leftmost placement, unchanged base first): chr3-39396432-TC-T. GRCh37 (hg19) VCF-style: chr3-39437923-TC-T.
Other names: c.665del, p.Pro222fs (NM_001354798.2); short protein forms P222fs, R278fs.
Identifiers: ClinVar variation 4085470 (VCV004085470.8).

ClinVar aggregate classification (germline): Likely pathogenic (1 of 4 stars; one submission).

Submission:

CeGaT Center for Human Genetics Tuebingen
Classification: Likely pathogenic. Last evaluated: 2025-07-01. Review status: criteria provided, single submitter. Criteria: CeGaT Center For Human Genetics Tuebingen Variant Classification Criteria Version 2. Collection method: clinical testing. Allele origin: germline. Affected: yes. Observed: 1 variant allele.
Comment: SLC25A38: PVS1:Strong, PM2